The following is an entry in ClinVar:

ClinVar aggregate classification (germline): Uncertain significance (1 of 4 stars; one submission).

Conditions:
Inborn genetic diseases. Identifiers: MedGen C0950123, MeSH D030342.

Submission:

Ambry Genetics
Classification: Uncertain significance for Inborn genetic diseases. Last evaluated: 2025-09-20. Review status: criteria provided, single submitter. Criteria: Ambry Variant Classification Scheme 2023. Collection method: clinical testing. Allele origin: germline.
Comment: The p.V174A variant (also known as c.521T>C), located in coding exon 4 of the ELANE gene, results from a T to C substitution at nucleotide position 521. The valine at codon 174 is replaced by alanine, an amino acid with similar properties. This amino acid position is conserved. In addition, the in silico prediction for this alteration is inconclusive. Based on the available evidence, the clinical significance of this variant remains unclear.

NM_001972.4(ELANE):c.521T>C (p.Val174Ala)

Gene: ELANE (elastase, neutrophil expressed; plus strand). Cytogenetic location: 19p13.3.
Variant type: single nucleotide variant.
Coding change: c.521T>C on transcript NM_001972.4 (MANE Select); coding-DNA position 521, T replaced by C.
Protein change: p.Val174Ala; replaces valine 174 with alanine.
Molecular consequence: missense variant.
Genome position (GRCh38, 1-based): chr19:855,718, T>C. VCF-style: chr19-855718-T-C. GRCh37 (hg19) VCF-style: chr19-855718-T-C.
Other names: short protein forms V174A.
Identifiers: ClinVar variation 4618388 (VCV004618388.1).